The following is an entry in ClinVar:

ClinVar aggregate classification (germline): Pathogenic. Review status: criteria provided, multiple submitters, no conflicts (2 of 4 stars). 13 submissions from 13 submitters: Pathogenic (11). 2 of the submissions do not count toward it. Last evaluated 2025-05-26.

Conditions:
ATP1A3-related disorder. Also called: ATP1A3-related condition; ATP1A3-related disorders. Identifiers: MedGen CN381097.
Alternating hemiplegia of childhood 2 (AHC2). Also called: Alternating Hemiplegia of Childhood (AHC). Identifiers: Orphanet 2131, MedGen C3553788, MONDO:0013900, OMIM 614820.
Dystonia 12 (DYT12). Also called: DYT-ATP1A3; Rapid-Onset Dystonia-Parkinsonism (RDP). Identifiers: Orphanet 71517, MedGen C1868681, MONDO:0007496, OMIM 128235.

Submissions (13):

3billion
Classification: Pathogenic for Dystonia 12. Last evaluated: 2025-05-26. Review status: criteria provided, single submitter. Criteria: ACMG Guidelines, 2015. Collection method: clinical testing. Allele origin: germline. Affected: yes.
Comment: The variant is not observed in the gnomAD v4.1.0 dataset. Predicted Consequence/Location: Missense variant. Missense changes are a common disease-causing mechanism. In silico tool predictions suggest damaging effect of the variant on gene or gene product [REVEL: 0.95 (>=0.6, sensitivity 0.68 and specificity 0.92); 3Cnet: 0.90 (> 0.75, sensitivity 0.96 and precision 0.92)]. The same nucleotide change resulting in the same amino acid change has been previously reported as pathogenic/likely pathogenic with strong evidence (ClinVar ID: VCV000012909 /PMID: 15260953 /3billion dataset). The variant has been reported to co-segregate with the disease in at least 5 similarly affected relatives/individuals in the same family or similarly affected unrelated families (PMID: 17516473). Therefore, this variant is classified as Pathogenic according to the recommendation of ACMG/AMP guideline.

Rady Children's Institute for Genomic Medicine, Rady Children's Hospital San Diego
Classification: Pathogenic for ATP1A3-related disorders. Last evaluated: 2025-01-23. Review status: criteria provided, single submitter. Criteria: ACMG Guidelines, 2015. Collection method: clinical testing. Allele origin: germline. Affected: yes.
Comment: This variant results in a c.1838C>T (p.Thr613Met) change in an alternate transcript (ENST00000302102, NM_152296.5). The ATP1A3 gene is constrained against missense variation (Z-score= 9.14), and missense variants are a commonly reported in affected individuals (HGMD, ClinVar database; PMID: 20301294). The c.1877C>T (p.Thr626Met) variant affects a highly conserved amino acid and is predicted by multiple in silico tools to have a deleterious effect on protein function. This variant has been previously reported as a heterozygous change in patients with rapid-onset dystonia-Parkinsonism, including an instance of de novo occurrence (PMID: 15260953). Furthermore, this variant has been observed to segregate with disease. Age of onset varies even within the same family and asymptomatic carriers have been reported (PMID: 15260953, 22534615, 33326973). Functional studies indicate this variant may lead to reduced protein expression (PMID: 15260953). The c.1877C>T (p.Thr626Met) variant is absent from the latest version of the gnomAD population database and thus is presumed to be rare. Based on the available evidence, c.1877C>T (p.Thr626Met) is classified as Pathogenic.

Labcorp Genetics (formerly Invitae), Labcorp
Classification: Pathogenic for Dystonia 12. Last evaluated: 2024-01-04. Review status: criteria provided, single submitter. Criteria: Invitae Variant Classification Sherloc (09022015). Collection method: clinical testing. Allele origin: germline.
Comment: This sequence change replaces threonine, which is neutral and polar, with methionine, which is neutral and non-polar, at codon 613 of the ATP1A3 protein (p.Thr613Met). This variant is not present in population databases (gnomAD no frequency). This missense change has been observed in individual(s) with rapid onset dystonia parkinsonism (RDP) (PMID: 15260953, 17282997, 17516473, 22534615, 24523486). In at least one individual the variant was observed to be de novo. It has also been observed to segregate with disease in related individuals. ClinVar contains an entry for this variant (Variation ID: 12909). Advanced modeling of protein sequence and biophysical properties (such as structural, functional, and spatial information, amino acid conservation, physicochemical variation, residue mobility, and thermodynamic stability) performed at Invitae indicates that this missense variant is expected to disrupt ATP1A3 protein function with a positive predictive value of 95%. Experimental studies have shown that this missense change affects ATP1A3 function (PMID: 15260953). For these reasons, this variant has been classified as Pathogenic.

GeneDx
Classification: Pathogenic. Last evaluated: 2022-05-15. Review status: criteria provided, single submitter. Criteria: GeneDx Variant Classification Process June 2021. Collection method: clinical testing. Allele origin: germline. Affected: yes.
Comment: Functional studies indicate that T613M interferes with hydrogen bonding near the catalytic site (Rodacker et al., 2006, de Carvalho Aguiar et al., 2004).; In silico analysis supports that this missense variant has a deleterious effect on protein structure/function; Not observed at significant frequency in large population cohorts (gnomAD); This variant is associated with the following publications: (PMID: 11061257, 17595045, 22850527, 24842602, 15390049, 15260953, 12112218, 29801903, 24523486, 17516473, 30097153, 31061839, 31361359, 33326973, 32653672, Post2009[Article], 17282997, 22534615, 16632466)

Institute of Human Genetics Munich, TUM University Hospital
Classification: Pathogenic for Dystonia 12. Last evaluated: 2021-02-01. Review status: criteria provided, single submitter. Criteria: Classification criteria August 2017. Collection method: clinical testing. Allele origin: maternal. Inheritance: Autosomal dominant inheritance. Affected: yes. Observed: 1 variant allele.

CENTOGENE GmbH and LLC - Guiding Precision Medicine
Classification: Pathogenic for Dystonia 12. Last evaluated: 2020-01-28. Review status: criteria provided, single submitter. Criteria: ACMG Guidelines, 2015. Collection method: clinical testing. Allele origin: germline. Affected: yes.

Mendelics
Classification: Pathogenic for Dystonia 12. Last evaluated: 2019-05-28. Review status: criteria provided, single submitter. Criteria: Mendelics Assertion Criteria 2017. Collection method: clinical testing. Allele origin: unknown.

Institute of Human Genetics, University of Leipzig Medical Center
Classification: Pathogenic for Dystonia 12. Last evaluated: 2018-04-27. Review status: criteria provided, single submitter. Criteria: ACMG Guidelines, 2015. Collection method: clinical testing. Allele origin: germline. Affected: yes. Observed: 1 variant allele.

Cytogénomique, Hospices Civils de Lyon
Classification: Pathogenic for Alternating hemiplegia of childhood 2. Last evaluated: 2017-08-10. Review status: criteria provided, single submitter. Criteria: ACMG Guidelines, 2015. Collection method: clinical testing. Allele origin: unknown. Inheritance: Autosomal dominant inheritance. Affected: yes.

Eurofins Ntd Llc (ga)
Classification: Pathogenic. Last evaluated: 2016-11-03. Review status: criteria provided, single submitter. Criteria: EGL Classification Definitions 2015. Collection method: clinical testing. Allele origin: germline. Observed: 1 variant allele, 1 heterozygote.

Institute of Human Genetics, University Hospital of Duesseldorf
Classification: Pathogenic for Dystonia 12. Review status: criteria provided, single submitter. Criteria: ACMG Guidelines, 2015. Collection method: not provided. Allele origin: germline. Inheritance: Autosomal dominant inheritance. Affected: yes.

OMIM
Classification: Pathogenic for DYSTONIA 12. Last evaluated: 2007-03-01. Review status: no assertion criteria provided. Collection method: literature only. Allele origin: germline. Not counted in ClinVar's aggregate classification.

GeneReviews
No classification provided. Condition: Dystonia 12. Review status: no classification provided. Collection method: literature only. Allele origin: germline. Not counted in ClinVar's aggregate classification.

Literature cited by the submitters: PubMed 17516473 (cited by 3 submitters); PubMed 15260953 (cited by 6 submitters); PubMed 20301294 (cited by Rady Children's Institute for Genomic Medicine, Rady Children's Hospital San Diego); PubMed 22534615 (cited by 3 submitters); PubMed 33326973 (cited by Rady Children's Institute for Genomic Medicine, Rady Children's Hospital San Diego); PubMed 17282997 (cited by 3 submitters); PubMed 24523486 (cited by Labcorp Genetics (formerly Invitae), Labcorp); PubMed 12112218 (cited by OMIM); PubMed 15390049 (cited by OMIM); PubMed 11061257 (cited by OMIM); PubMed 16632466 (cited by OMIM); NCBI Bookshelf NBK1115 (cited by GeneReviews); PubMed 17595045 (cited by GeneReviews).

NM_152296.5(ATP1A3):c.1838C>T (p.Thr613Met)

Gene: ATP1A3 (ATPase Na+/K+ transporting subunit alpha 3; minus strand). Cytogenetic location: 19q13.2.
Variant type: single nucleotide variant.
Coding change: c.1838C>T on transcript NM_152296.5 (MANE Select); coding-DNA position 1838, C replaced by T.
Protein change: p.Thr613Met; replaces threonine 613 with methionine.
Molecular consequence: missense variant.
Genome position (GRCh38, 1-based): chr19:41,978,041, G>A on the plus strand (C>T on the coding strand, the complement: ATP1A3 is on the minus strand). VCF-style: chr19-41978041-G-A. GRCh37 (hg19) VCF-style: chr19-42482193-G-A.
Other names: c.1871C>T, p.Thr624Met (NM_001256213.2); c.1877C>T, p.Thr626Met (NM_001256214.2); short protein forms T613M, T626M, T624M.
Identifiers: ClinVar variation 12909 (VCV000012909.27), dbSNP rs80356534, ClinGen allele CA341233.